The following is an entry in ClinVar:

ClinVar aggregate classification (germline): Uncertain significance (1 of 4 stars; one submission).

Conditions:
Glutamate pyruvate transaminase 2 deficiency (NEDSPM). Also called: Neurodevelopmental disorder with microcephaly and spastic paraplegia. Identifiers: Orphanet 477673, MedGen C4225388, MONDO:0014567, OMIM 616281.

Submission:

Victorian Clinical Genetics Services, Murdoch Childrens Research Institute
Classification: Uncertain significance for Glutamate pyruvate transaminase 2 deficiency. Last evaluated: 2022-03-31. Review status: criteria provided, single submitter. Criteria: ACMG Guidelines, 2015. Collection method: clinical testing. Allele origin: germline. Inheritance: Autosomal recessive inheritance. Affected: yes.
Comment: Based on the classification scheme VCGS_Germline_v1.3.4, this variant is classified as VUS-3A. Following criteria are met: 0102 - Loss of function is a known mechanism of disease in this gene and is associated with neurodevelopmental disorder with microcephaly and spastic paraplegia (MIM#616281). (I) 0106 - This gene is associated with autosomal recessive disease. (I) 0200 - Variant is predicted to result in a missense amino acid change from leucine to phenylalanine. (I) 0251 - This variant is heterozygous. (I) 0301 - Variant is absent from gnomAD (both v2 and v3). (SP) 0501 - Missense variant consistently predicted to be damaging by multiple in silico tools or highly conserved with a major amino acid change. (SP) 0600 - Variant is located in the annotated aminotransferase class I and II domain (DECIPHER). (I) 0705 - No comparable missense variants have previous evidence for pathogenicity. (I) 0807 - This variant has no previous evidence of pathogenicity. (I) 0905 - No published segregation evidence has been identified for this variant. (I) 1007 - No published functional evidence has been identified for this variant. (I) Legend: (SP) - Supporting pathogenic, (I) - Information, (SB) - Supporting benign

NM_133443.4(GPT2):c.886C>T (p.Leu296Phe)

Gene: GPT2 (glutamic--pyruvic transaminase 2; plus strand). Cytogenetic location: 16q11.2.
Variant type: single nucleotide variant.
Coding change: c.886C>T on transcript NM_133443.4 (MANE Select); coding-DNA position 886, C replaced by T.
Protein change: p.Leu296Phe; replaces leucine 296 with phenylalanine.
Molecular consequence: missense variant.
Genome position (GRCh38, 1-based): chr16:46,916,693, C>T. VCF-style: chr16-46916693-C-T. GRCh37 (hg19) VCF-style: chr16-46950605-C-T.
Other names: c.586C>T, p.Leu196Phe (NM_001142466.3); short protein forms L196F, L296F.
Identifiers: ClinVar variation 1805242 (VCV001805242.1), dbSNP rs2548981454, ClinGen allele CA395784617.